The following is an entry in ClinVar:

ClinVar aggregate classification (germline): Uncertain significance (1 of 4 stars; one submission).

Conditions:
Glycogen storage disease IV, classic hepatic. Also called: GSD IV, CLASSIC HEPATIC. Identifiers: MedGen C1856301.
Glycogen storage disease, type IV (GSD4). Also called: AMYLOPECTINOSIS; ANDERSEN DISEASE; BRANCHER DEFICIENCY; Glycogen storage disease due to glycogen branching enzyme deficiency; CIRRHOSIS, FAMILIAL, WITH DEPOSITION OF ABNORMAL GLYCOGEN; GBE1 DEFICIENCY. Identifiers: Orphanet 367, MedGen C0017923, MONDO:0009292, OMIM 232500.

Allele frequency attached by ClinVar (database versions not stated): gnomAD exomes below 0.00001; TOPMed below 0.00001; gnomAD 0.00001.
gnomAD v4.1: 5 of 1,606,274 alleles (0.00031%); highest among the groups gnomAD compares: Non-Finnish European, 0.00043%; no homozygotes.

Submission:

Labcorp Genetics (formerly Invitae), Labcorp
Classification: Uncertain significance for Glycogen storage disease, type IV; Glycogen storage disease IV, classic hepatic. Last evaluated: 2024-01-22. Review status: criteria provided, single submitter. Criteria: Invitae Variant Classification Sherloc (09022015). Collection method: clinical testing. Allele origin: germline.
Comment: This sequence change replaces serine with leucine at codon 183 of the GBE1 protein (p.Ser183Leu). The serine residue is weakly conserved and there is a large physicochemical difference between serine and leucine. This variant is not present in population databases (gnomAD no frequency). This variant has not been reported in the literature in individuals affected with GBE1-related conditions. ClinVar contains an entry for this variant (Variation ID: 1351251). Advanced modeling of protein sequence and biophysical properties (such as structural, functional, and spatial information, amino acid conservation, physicochemical variation, residue mobility, and thermodynamic stability) performed at Invitae indicates that this missense variant is not expected to disrupt GBE1 protein function with a negative predictive value of 95%. In summary, the available evidence is currently insufficient to determine the role of this variant in disease. Therefore, it has been classified as a Variant of Uncertain Significance.

NM_000158.4(GBE1):c.548C>T (p.Ser183Leu)

Gene: GBE1 (1,4-alpha-glucan branching enzyme 1; minus strand). Cytogenetic location: 3p12.2.
Variant type: single nucleotide variant.
Coding change: c.548C>T on transcript NM_000158.4 (MANE Select); coding-DNA position 548, C replaced by T.
Protein change: p.Ser183Leu; replaces serine 183 with leucine.
Molecular consequence: missense variant.
Genome position (GRCh38, 1-based): chr3:81,649,803, G>A on the plus strand (C>T on the coding strand, the complement: GBE1 is on the minus strand). VCF-style: chr3-81649803-G-A. GRCh37 (hg19) VCF-style: chr3-81698954-G-A.
Other names: short protein forms S183L.
Identifiers: ClinVar variation 1351251 (VCV001351251.6), dbSNP rs1327623597, ClinGen allele CA353688530.